The following is an entry in ClinVar:

NM_080680.3(COL11A2):c.4G>A (p.Glu2Lys)

Gene: COL11A2 (collagen type XI alpha 2 chain; minus strand). Cytogenetic location: 6p21.32.
Variant type: single nucleotide variant.
Coding change: c.4G>A on transcript NM_080680.3 (MANE Select); coding-DNA position 4, G replaced by A.
Protein change: p.Glu2Lys; replaces glutamic acid 2 with lysine.
Molecular consequence: missense variant.
Genome position (GRCh38, 1-based): chr6:33,192,237, C>T on the plus strand (G>A on the coding strand, the complement: COL11A2 is on the minus strand). VCF-style: chr6-33192237-C-T. GRCh37 (hg19) VCF-style: chr6-33160014-C-T.
Other names: c.4G>A, p.Glu2Lys (NM_001163771.2, NM_080679.3, NM_080681.3); c.4G>A (NM_080680.2); short protein forms E2K.
Identifiers: ClinVar variation 1879657 (VCV001879657.33), dbSNP rs762037161, ClinGen allele CA3751774.

ClinVar aggregate classification (germline): Uncertain significance. Review status: criteria provided, multiple submitters, no conflicts (2 of 4 stars). 5 submissions from 5 submitters: Uncertain significance (5). Last evaluated 2026-03-11.

Conditions:
Otospondylomegaepiphyseal dysplasia, autosomal recessive (OSMEDB). Also called: CHONDRODYSTROPHY WITH SENSORINEURAL DEAFNESS; Insley-Astley syndrome. Identifiers: Orphanet 1427, MedGen CN034493, MONDO:0044206, OMIM 215150.
COL11A2-related disorder. Also called: COL11A2-related condition; COL11A2-related disorders.

Allele frequency attached by ClinVar (database versions not stated): TOPMed below 0.00001; gnomAD 0.00001.
gnomAD v4.1: 22 of 1,558,444 alleles (0.0014%); highest among the groups gnomAD compares: Non-Finnish European, 0.0017%; no homozygotes.

Submissions (5):

Women's Health and Genetics/Laboratory Corporation of America, LabCorp
Classification: Uncertain significance. Last evaluated: 2026-03-11. Review status: criteria provided, single submitter. Criteria: LabCorp Variant Classification Summary - May 2015. Collection method: clinical testing. Allele origin: germline.
Comment: Variant summary: COL11A2 c.4G>A (p.Glu2Lys) results in a conservative amino acid change in the encoded protein sequence. Algorithms developed to predict the effect of missense changes on protein structure and function all suggest that this variant is likely to be tolerated. The variant was absent in 158602 control chromosomes. The available data on variant occurrences in the general population are insufficient to allow any conclusion about variant significance. To our knowledge, no occurrence of c.4G>A in individuals affected with COL11A2-related conditions and no experimental evidence demonstrating its impact on protein function have been reported. ClinVar contains an entry for this variant (Variation ID: 1879657). Based on the evidence outlined above, the variant was classified as uncertain significance.

PreventionGenetics, part of Exact Sciences
Classification: Uncertain significance for COL11A2-related condition. Last evaluated: 2026-01-22. Review status: criteria provided, single submitter. Criteria: ACMG Guidelines, 2015. Collection method: clinical testing. Allele origin: germline.
Comment: The COL11A2 c.4G>A variant is predicted to result in the amino acid substitution p.Glu2Lys. To our knowledge, this variant is absent from the literature and population database gnomAD, indicating that this variant is rare. At this time, the clinical significance of this variant is uncertain due to the absence of conclusive functional and genetic evidence.

Labcorp Genetics (formerly Invitae), Labcorp
Classification: Uncertain significance. Last evaluated: 2024-12-23. Review status: criteria provided, single submitter. Criteria: Invitae Variant Classification Sherloc (09022015). Collection method: clinical testing. Allele origin: germline.
Comment: This sequence change replaces glutamic acid, which is acidic and polar, with lysine, which is basic and polar, at codon 2 of the COL11A2 protein (p.Glu2Lys). This variant is not present in population databases (gnomAD no frequency). This variant has not been reported in the literature in individuals affected with COL11A2-related conditions. ClinVar contains an entry for this variant (Variation ID: 1879657). Invitae Evidence Modeling of protein sequence and biophysical properties (such as structural, functional, and spatial information, amino acid conservation, physicochemical variation, residue mobility, and thermodynamic stability) indicates that this missense variant is not expected to disrupt COL11A2 protein function with a negative predictive value of 95%. In summary, the available evidence is currently insufficient to determine the role of this variant in disease. Therefore, it has been classified as a Variant of Uncertain Significance.

Clinical Genomics Laboratory, Washington University in St. Louis
Classification: Uncertain significance for Otospondylomegaepiphyseal dysplasia, autosomal recessive. Last evaluated: 2023-08-11. Review status: criteria provided, single submitter. Criteria: ACMG Guidelines, 2015. Collection method: clinical testing. Allele origin: germline.
Comment: The COL11A2 c.4G>A (p.Glu2Lys) variant, to our knowledge, has not been reported in the medical literature in an individual affected with a COL11A2-related disorder, but has been reported in the ClinVar database as a germline variant of uncertain significance by one submitter. This variant is absent from the general population (gnomAD v.2.1.1), indicating it is not a common variant. This variant occurs immediately downstream of the ATG start site in the signal peptide, critical for proper protein localization (Lui VC et al., PMID: 8838804). Computational predictors suggest that the variant does not impact COL11A2 function. Due to limited information, and based on ACMG/AMP guidelines for variant interpretation (Richards S et al., PMID: 25741868), the clinical significance of this variant is uncertain at this time.

CeGaT Center for Human Genetics Tuebingen
Classification: Uncertain significance. Last evaluated: 2022-11-01. Review status: criteria provided, single submitter. Criteria: CeGaT Center For Human Genetics Tuebingen Variant Classification Criteria Version 2. Collection method: clinical testing. Allele origin: germline. Affected: yes. Observed: 1 variant allele.
Comment: COL11A2: PM2